The following is an entry in ClinVar:

NM_006979.3(SLC39A7):c.1034G>A (p.Arg345Gln)

Gene: SLC39A7 (solute carrier family 39 member 7; plus strand). Cytogenetic location: 6p21.32.
Variant type: single nucleotide variant.
Coding change: c.1034G>A on transcript NM_006979.3 (MANE Select); coding-DNA position 1034, G replaced by A.
Protein change: p.Arg345Gln; replaces arginine 345 with glutamine.
Molecular consequence: missense variant.
Genome position (GRCh38, 1-based): chr6:33,203,003, G>A. VCF-style: chr6-33203003-G-A. GRCh37 (hg19) VCF-style: chr6-33170780-G-A.
Other names: c.1034G>A, p.Arg345Gln (NM_001077516.2); c.659G>A, p.Arg220Gln (NM_001288777.2); c.1034G>A (NM_006979.2); short protein forms R345Q, R220Q.
Identifiers: ClinVar variation 1469044 (VCV001469044.8), dbSNP rs777953013, ClinGen allele CA3752415.

ClinVar aggregate classification (germline): Conflicting classifications of pathogenicity. Review status: criteria provided, conflicting classifications (1 of 4 stars). 2 submissions from 2 submitters: Uncertain significance (1); Likely benign (1). Last evaluated 2025-08-27.

Allele frequency attached by ClinVar (database versions not stated): gnomAD 0.00001; TOPMed 0.00001; ExAC 0.00002; gnomAD exomes 0.00002; 1000 Genomes Project 30x 0.00016.

Submissions (2):

Ambry Genetics
Classification: Likely benign. Last evaluated: 2025-08-27. Review status: criteria provided, single submitter. Criteria: Ambry Variant Classification Scheme 2023. Collection method: clinical testing. Allele origin: germline.

Labcorp Genetics (formerly Invitae), Labcorp
Classification: Uncertain significance. Last evaluated: 2022-06-20. Review status: criteria provided, single submitter. Criteria: Invitae Variant Classification Sherloc (09022015). Collection method: clinical testing. Allele origin: germline.
Comment: In summary, the available evidence is currently insufficient to determine the role of this variant in disease. Therefore, it has been classified as a Variant of Uncertain Significance. This sequence change replaces arginine, which is basic and polar, with glutamine, which is neutral and polar, at codon 345 of the SLC39A7 protein (p.Arg345Gln). This variant is present in population databases (rs777953013, gnomAD 0.003%). This variant has not been reported in the literature in individuals affected with SLC39A7-related conditions. Algorithms developed to predict the effect of missense changes on protein structure and function output the following: SIFT: "Tolerated"; PolyPhen-2: "Benign"; Align-GVGD: "Class C0". The glutamine amino acid residue is found in multiple mammalian species, which suggests that this missense change does not adversely affect protein function.